The following is an entry in ClinVar:

NM_001458.5(FLNC):c.3735G>T (p.Gln1245His)

Gene: FLNC (filamin C; plus strand). Cytogenetic location: 7q32.1.
Variant type: single nucleotide variant.
Coding change: c.3735G>T on transcript NM_001458.5 (MANE Select); coding-DNA position 3735, G replaced by T.
Protein change: p.Gln1245His; replaces glutamine 1245 with histidine.
Molecular consequence: missense variant.
Genome position (GRCh38, 1-based): chr7:128,845,200, G>T. VCF-style: chr7-128845200-G-T. GRCh37 (hg19) VCF-style: chr7-128485254-G-T.
Other names: c.3735G>T, p.Gln1245His (NM_001127487.2); short protein forms Q1245H.
Identifiers: ClinVar variation 4812690 (VCV004812690.1).

ClinVar aggregate classification (germline): Uncertain significance (1 of 4 stars; one submission).

Conditions:
Hypertrophic cardiomyopathy 26. Also called: Cardiomyopathy, familial hypertrophic, 26. Identifiers: Orphanet 75249, MedGen C4310749, MONDO:0014883, OMIM 617047.
Myofibrillar myopathy 5. Also called: Filaminopathy (type); FILAMINOPATHY, AUTOSOMAL DOMINANT. Identifiers: Orphanet 171445, MedGen C1836050, MONDO:0012289, OMIM 609524.
Distal myopathy with posterior leg and anterior hand involvement. Also called: WILLIAMS DISTAL MYOPATHY. Identifiers: Orphanet 63273, MedGen C3279722, MONDO:0013550, OMIM 614065.

Submission:

Labcorp Genetics (formerly Invitae), Labcorp
Classification: Uncertain significance for Distal myopathy with posterior leg and anterior hand involvement; Myofibrillar myopathy 5; Hypertrophic cardiomyopathy 26. Last evaluated: 2026-01-26. Review status: criteria provided, single submitter. Criteria: Invitae Variant Classification Sherloc (09022015). Collection method: clinical testing. Allele origin: germline.
Comment: This sequence change replaces glutamine, which is neutral and polar, with histidine, which is basic and polar, at codon 1245 of the FLNC protein (p.Gln1245His). This variant is not present in population databases (gnomAD no frequency). This variant has not been reported in the literature in individuals affected with FLNC-related conditions. Invitae Evidence Modeling of protein sequence and biophysical properties (such as structural, functional, and spatial information, amino acid conservation, physicochemical variation, residue mobility, and thermodynamic stability) has been performed for this missense variant. However, the output from this modeling did not meet the statistical confidence thresholds required to predict the impact of this variant on FLNC protein function. In summary, the available evidence is currently insufficient to determine the role of this variant in disease. Therefore, it has been classified as a Variant of Uncertain Significance.